The following is an entry in ClinVar:

NM_001278431.2(C1QTNF5):c.321C>G (p.Ser107Arg)

Genes: C1QTNF5 (C1q and TNF related 5; minus strand), MFRP (membrane frizzled-related protein; minus strand). Cytogenetic location: 11q23.3.
Variant type: single nucleotide variant.
Coding change: c.321C>G on transcript NM_001278431.2 (MANE Select); coding-DNA position 321, C replaced by G.
Protein change: p.Ser107Arg; replaces serine 107 with arginine.
Molecular consequence: missense variant. On other transcripts: 3 prime UTR variant (1).
Genome position (GRCh38, 1-based): chr11:119,339,742, G>C on the plus strand (C>G on the coding strand, the complement: C1QTNF5 is on the minus strand). VCF-style: chr11-119339742-G-C. GRCh37 (hg19) VCF-style: chr11-119210452-G-C.
Other names: c.321C>G, p.Ser107Arg (NM_015645.5); c.*1217C>G (NM_031433.4); short protein forms S107R.
Identifiers: ClinVar variation 3009750 (VCV003009750.3), dbSNP rs2497072057, ClinGen allele CA382969469.

ClinVar aggregate classification (germline): Uncertain significance (1 of 4 stars; one submission).

Allele frequency attached by ClinVar (database versions not stated): gnomAD exomes below 0.00001.
gnomAD v4.1: 6 of 1,596,884 alleles (0.00038%); highest among the groups gnomAD compares: Non-Finnish European, 0.00051%; no homozygotes.

Submission:

Labcorp Genetics (formerly Invitae), Labcorp
Classification: Uncertain significance. Last evaluated: 2023-05-12. Review status: criteria provided, single submitter. Criteria: Invitae Variant Classification Sherloc (09022015). Collection method: clinical testing. Allele origin: germline.
Comment: In summary, the available evidence is currently insufficient to determine the role of this variant in disease. Therefore, it has been classified as a Variant of Uncertain Significance. An algorithm developed to predict the effect of missense changes on protein structure and function (PolyPhen-2) suggests that this variant is likely to be disruptive. This sequence change replaces serine, which is neutral and polar, with arginine, which is basic and polar, at codon 107 of the C1QTNF5 protein (p.Ser107Arg). This variant is not present in population databases (gnomAD no frequency). This variant has not been reported in the literature in individuals affected with C1QTNF5-related conditions.